The following is an entry in ClinVar:

ClinVar aggregate classification (germline): Conflicting classifications of pathogenicity. Review status: criteria provided, conflicting classifications (1 of 4 stars). 3 submissions from 3 submitters: Uncertain significance (1); Likely benign (2). Last evaluated 2024-11-18.

Conditions:
Hypertrophic cardiomyopathy 2. Also called: TNNT2-Related Familial Hypertrophic Cardiomyopathy. Identifiers: MedGen C1861864, MONDO:0007266, OMIM 115195.
Dilated cardiomyopathy 1D. Identifiers: Orphanet 154, Orphanet 54260, MedGen C1832243, MONDO:0011095, OMIM 601494.
Cardiomyopathy, familial restrictive, 3. Identifiers: Orphanet 75249, MedGen C2676271, MONDO:0012900, OMIM 612422.

Allele frequency attached by ClinVar (database versions not stated): TOPMed 0.00001; ESP Exome Variant Server 0.00008.

Submissions (3):

Blueprint Genetics
Classification: Likely benign. Last evaluated: 2024-11-18. Review status: criteria provided, single submitter. Criteria: ACMG Guidelines, 2015. Collection method: clinical testing. Allele origin: germline.

Labcorp Genetics (formerly Invitae), Labcorp
Classification: Likely benign for Cardiomyopathy, familial restrictive, 3; Hypertrophic cardiomyopathy 2; Dilated cardiomyopathy 1D. Last evaluated: 2018-02-04. Review status: criteria provided, single submitter. Criteria: Invitae Variant Classification Sherloc (09022015). Collection method: clinical testing. Allele origin: germline.

Laboratory for Molecular Medicine, Mass General Brigham Personalized Medicine
Classification: Uncertain significance. Last evaluated: 2012-01-10. Review status: criteria provided, single submitter. Criteria: LMM Criteria. Collection method: clinical testing. Allele origin: germline. Observed: 1 variant allele.
Comment: Variant classified as Uncertain Significance - Favor Pathogenic. The Glu33Lys va riant (TNNT2) has not been reported in the literature, but has been identified i n 1/7020 European American chromosomes from a broad, though clinically unspecifi ed population (NHLBI Exome Sequencing Project) . This variant has not been previously identified in >3250 probands (>2000 Cauca sian) tested by our laboratory. This low frequency could support a pathogenic ro le. Glutamic acid (Glu) at position 33 is not conserved in mammals or chicken, i ncreasing the likelihood that a change would be tolerated. Computational tools ( AlignGVGD, SIFT) predict that a change to lysine (Lys) would not impact the prot ein. However, this variant occurs at the last base of the exon and this position has been shown to be part of the splicing consensus sequence. Splicing predicti on tools suggest that splicing may be altered. Note, the accuracy of the computa tional and splicing tools is unknown. Collectively, this data suggests that the Glu33Lys variant may be pathogenic, but since it has not been seen in isolation, additional studies are needed to further assess its clinical significance.

NM_001276345.2(TNNT2):c.97G>A (p.Glu33Lys)

Gene: TNNT2 (troponin T2, cardiac type; minus strand). Cytogenetic location: 1q32.1.
Variant type: single nucleotide variant.
Coding change: c.97G>A on transcript NM_001276345.2 (MANE Select); coding-DNA position 97, G replaced by A.
Protein change: p.Glu33Lys; replaces glutamic acid 33 with lysine.
Molecular consequence: missense variant. On other transcripts: intron variant (4).
Genome position (GRCh38, 1-based): chr1:201,369,816, C>T on the plus strand (G>A on the coding strand, the complement: TNNT2 is on the minus strand). VCF-style: chr1-201369816-C-T. GRCh37 (hg19) VCF-style: chr1-201338944-C-T.
Other names: c.97G>A, p.Glu33Lys (NM_000364.4, NM_001276346.2); c.53-1589G>A (NM_001001432.3); c.68-1589G>A (NM_001001431.3, NM_001001430.3, NM_001276347.2); short protein forms E33K.
Identifiers: ClinVar variation 43402 (VCV000043402.12), dbSNP rs377474357, ClinGen allele CA005334.
Genomic context (GRCh38, chr1:201,369,816, plus strand): 5'-GGAGGCTGCACTTGGGACAGCAGGCAGCAGAAAGCACCACAGAAGGAAAGGCTGTACTAC[C>T]GTCTTCGTCCTCTCTCCAGTCCTCCTCTTCTGAGGTTCAGGGAGTGGCCGCAGCGGAGGG-3'
Protein context (NP_001263274.1, residues 23-43): EEEDWREDED[Glu33Lys]QEEAAEEDAE